The following is an entry in ClinVar:

ClinVar aggregate classification (germline): Uncertain significance. Review status: criteria provided, multiple submitters, no conflicts (2 of 4 stars). 2 submissions from 2 submitters: Uncertain significance (2). Last evaluated 2023-06-02.

Conditions:
Early-infantile DEE. Also called: Ohtahara syndrome; Early infantile epileptic encephalopathy with suppression bursts; Early infantile epileptic encephalopathy. Identifiers: Orphanet 1934, MedGen C0393706, MONDO:0800491.

Submissions (2):

Labcorp Genetics (formerly Invitae), Labcorp
Classification: Uncertain significance for Early-infantile DEE. Last evaluated: 2023-06-02. Review status: criteria provided, single submitter. Criteria: Invitae Variant Classification Sherloc (09022015). Collection method: clinical testing. Allele origin: germline.
Comment: Experimental studies and prediction algorithms are not available or were not evaluated, and the functional significance of this variant is currently unknown. In summary, the available evidence is currently insufficient to determine the role of this variant in disease. Therefore, it has been classified as a Variant of Uncertain Significance. ClinVar contains an entry for this variant (Variation ID: 1005322). This variant has been observed in at least one individual who was not affected with HCN1-related conditions (Invitae). This variant has not been reported in the literature in individuals affected with HCN1-related conditions. This variant is not present in population databases (gnomAD no frequency). This variant, c.212_223dup, results in the insertion of 4 amino acid(s) of the HCN1 protein (p.Gly71_Gly74dup), but otherwise preserves the integrity of the reading frame.

GeneDx
Classification: Uncertain significance. Last evaluated: 2022-07-12. Review status: criteria provided, single submitter. Criteria: GeneDx Variant Classification Process June 2021. Collection method: clinical testing. Allele origin: germline. Affected: yes.
Comment: Not observed at significant frequency in large population cohorts (gnomAD); In-frame insertion of 3 amino acids in a repetitive region with no known function; Has not been previously published as pathogenic or benign to our knowledge

NM_021072.4(HCN1):c.203GCG[11] (p.Gly71_Gly74dup)

Gene: HCN1 (hyperpolarization activated cyclic nucleotide gated potassium channel 1; minus strand). Cytogenetic location: 5p12.
Variant type: Microsatellite.
Coding change: c.203GCG[11] on transcript NM_021072.4 (MANE Select); 11 copies in a row of the 3-base unit GCG starting at c.203; the reference has seven copies in a row; four copies, 12 bases duplicated.
Protein change: p.Gly71_Gly74dup.
Molecular consequence: inframe insertion.
Genome position (GRCh38, 1-based): chr5:45,695,871-45,695,882, CGCCGCCGCCGC duplicated on the plus strand (GCGGCGGCGGCG on the coding strand, the reverse complement: HCN1 is on the minus strand); duplicating any 12 consecutive bases within chr5:45,695,871-45,695,892 gives the same sequence; the position shown is the placement nearest the transcript's 3' end. VCF-style (leftmost placement, unchanged base first): chr5-45695870-T-TCGCCGCCGCCGC. GRCh37 (hg19) VCF-style: chr5-45695972-T-TCGCCGCCGCCGC.
Identifiers: ClinVar variation 1005322 (VCV001005322.10), dbSNP rs747975797, ClinGen allele CA1543800647.